The following is an entry in ClinVar:

NM_000548.5(TSC2):c.2172T>C (p.Phe724=)

Gene: TSC2 (TSC complex subunit 2; plus strand). Cytogenetic location: 16p13.3.
Variant type: single nucleotide variant.
Coding change: c.2172T>C on transcript NM_000548.5 (MANE Select); coding-DNA position 2172, T replaced by C.
Protein change: p.Phe724=; no amino-acid change (phenylalanine 724 retained).
Molecular consequence: synonymous variant.
Genome position (GRCh38, 1-based): chr16:2,072,315, T>C. VCF-style: chr16-2072315-T-C. GRCh37 (hg19) VCF-style: chr16-2122316-T-C.
Other names: c.2172T>C, p.Phe724= (NM_001077183.3, NM_001114382.3, NM_001363528.2 and 3 more transcripts); c.2061T>C, p.Phe687= (NM_001318827.2); c.2025T>C, p.Phe675= (NM_001318829.2); c.1572T>C, p.Phe524= (NM_001318831.2); c.2205T>C, p.Phe735= (NM_001318832.2).
Identifiers: ClinVar variation 1589162 (VCV001589162.11), dbSNP rs2151318241, ClinGen allele CA493042694.

ClinVar aggregate classification (germline): Benign/Likely benign. Review status: criteria provided, multiple submitters, no conflicts (2 of 4 stars). 3 submissions from 3 submitters: Benign (1); Likely benign (2). Last evaluated 2025-05-19.

Conditions:
Hereditary cancer-predisposing syndrome. Also called: Hereditary Cancer Syndrome; Tumor predisposition; Neoplastic Syndromes, Hereditary; Hereditary neoplastic syndrome. Identifiers: Orphanet 140162, MedGen C0027672, MeSH D009386, MONDO:0015356.
Tuberous sclerosis 2 (TSC2). Identifiers: Orphanet 805, MedGen C1860707, MONDO:0013199, OMIM 613254.

Submissions (3):

Myriad Genetics, Inc.
Classification: Benign for Tuberous sclerosis 2. Last evaluated: 2025-05-19. Review status: criteria provided, single submitter. Criteria: Myriad Autosomal Dominant, Autosomal Recessive and X-Linked Classification Criteria (2023). Collection method: clinical testing. Allele origin: unknown.
Comment: This variant is considered benign. This variant is a silent/synonymous amino acid change and it is not expected to impact splicing.

Labcorp Genetics (formerly Invitae), Labcorp
Classification: Likely benign for Tuberous sclerosis 2. Last evaluated: 2021-10-27. Review status: criteria provided, single submitter. Criteria: Invitae Variant Classification Sherloc (09022015). Collection method: clinical testing. Allele origin: germline.

Ambry Genetics
Classification: Likely benign for Hereditary cancer-predisposing syndrome. Last evaluated: 2021-07-01. Review status: criteria provided, single submitter. Criteria: Ambry Variant Classification Scheme 2023. Collection method: clinical testing. Allele origin: germline.